The following is an entry in ClinVar:

NM_005263.5(GFI1):c.52C>A (p.Pro18Thr)

Gene: GFI1 (growth factor independent 1 transcriptional repressor; minus strand). Cytogenetic location: 1p22.1.
Variant type: single nucleotide variant.
Coding change: c.52C>A on transcript NM_005263.5 (MANE Select); coding-DNA position 52, C replaced by A.
Protein change: p.Pro18Thr; replaces proline 18 with threonine.
Molecular consequence: missense variant.
Genome position (GRCh38, 1-based): chr1:92,483,436, G>T on the plus strand (C>A on the coding strand, the complement: GFI1 is on the minus strand). VCF-style: chr1-92483436-G-T. GRCh37 (hg19) VCF-style: chr1-92948993-G-T.
Other names: c.52C>A, p.Pro18Thr (NM_001127215.3, NM_001127216.3); short protein forms P18T.
Identifiers: ClinVar variation 4029418 (VCV004029418.1).

ClinVar aggregate classification (germline): Uncertain significance (1 of 4 stars; one submission).

Submission:

Ambry Genetics
Classification: Uncertain significance. Last evaluated: 2025-05-08. Review status: criteria provided, single submitter. Criteria: Ambry Variant Classification Scheme 2023. Collection method: clinical testing. Allele origin: germline.
Comment: The p.P18T variant (also known as c.52C>A), located in coding exon 1 of the GFI1 gene, results from a C to A substitution at nucleotide position 52. The proline at codon 18 is replaced by threonine, an amino acid with highly similar properties. This amino acid position is conserved. In addition, this alteration is predicted to be tolerated by in silico analysis. Based on the available evidence, the clinical significance of this variant remains unclear.